The following is an entry in ClinVar:

ClinVar aggregate classification (germline): Uncertain significance (1 of 4 stars; one submission).

Conditions:
Left ventricular noncompaction 1 (LVNC1). Also called: LEFT VENTRICULAR NONCOMPACTION 1 WITH OR WITHOUT CONGENITAL HEART DEFECTS. Identifiers: Orphanet 54260, MedGen C1858725, MONDO:0011403, OMIM 604169.

Submission:

Labcorp Genetics (formerly Invitae), Labcorp
Classification: Uncertain significance for Left ventricular noncompaction 1. Last evaluated: 2026-01-26. Review status: criteria provided, single submitter. Criteria: Invitae Variant Classification Sherloc (09022015). Collection method: clinical testing. Allele origin: germline.
Comment: This sequence change replaces alanine, which is neutral and non-polar, with serine, which is neutral and polar, at codon 66 of the DTNA protein (p.Ala66Ser). This variant is not present in population databases (gnomAD no frequency). This variant has not been reported in the literature in individuals affected with DTNA-related conditions. ClinVar contains an entry for this variant (Variation ID: 2827044). Invitae Evidence Modeling of protein sequence and biophysical properties (such as structural, functional, and spatial information, amino acid conservation, physicochemical variation, residue mobility, and thermodynamic stability) indicates that this missense variant is not expected to disrupt DTNA protein function with a negative predictive value of 80%. In summary, the available evidence is currently insufficient to determine the role of this variant in disease. Therefore, it has been classified as a Variant of Uncertain Significance.

NM_001386795.1(DTNA):c.196G>T (p.Ala66Ser)

Gene: DTNA (dystrobrevin alpha; plus strand). Cytogenetic location: 18q12.1.
Variant type: single nucleotide variant.
Coding change: c.196G>T on transcript NM_001386795.1 (MANE Select); coding-DNA position 196, G replaced by T.
Protein change: p.Ala66Ser; replaces alanine 66 with serine.
Molecular consequence: missense variant.
Genome position (GRCh38, 1-based): chr18:34,794,084, G>T. VCF-style: chr18-34794084-G-T. GRCh37 (hg19) VCF-style: chr18-32374048-G-T.
Other names: c.196G>T, p.Ala66Ser (NM_001128175.2, NM_001198938.2, NM_001198939.2 and 35 more transcripts); short protein forms A66S.
Identifiers: ClinVar variation 2827044 (VCV002827044.3), dbSNP rs2516937166, ClinGen allele CA402274863.